The following is an entry in ClinVar:

NM_004304.5(ALK):c.3665C>A (p.Ala1222Asp)

Gene: ALK (ALK receptor tyrosine kinase; minus strand). Cytogenetic location: 2p23.2.
Variant type: single nucleotide variant.
Coding change: c.3665C>A on transcript NM_004304.5 (MANE Select); coding-DNA position 3665, C replaced by A.
Protein change: p.Ala1222Asp; replaces alanine 1222 with aspartic acid.
Molecular consequence: missense variant.
Genome position (GRCh38, 1-based): chr2:29,214,062, G>T on the plus strand (C>A on the coding strand, the complement: ALK is on the minus strand). VCF-style: chr2-29214062-G-T. GRCh37 (hg19) VCF-style: chr2-29436928-G-T.
Other names: c.461C>A, p.Ala154Asp (NM_001353765.2); short protein forms A1222D, A154D.
Identifiers: ClinVar variation 1450769 (VCV001450769.6), dbSNP rs2148159538, ClinGen allele CA346471608.

ClinVar aggregate classification (germline): Uncertain significance (1 of 4 stars; one submission).

Conditions:
Neuroblastoma, susceptibility to, 3. Also called: ALK-Related Neuroblastic Tumor Susceptibility. Identifiers: Orphanet 635, MedGen C2751681, MONDO:0013083, OMIM 613014.

Submission:

Labcorp Genetics (formerly Invitae), Labcorp
Classification: Uncertain significance for Neuroblastoma, susceptibility to, 3. Last evaluated: 2021-11-09. Review status: criteria provided, single submitter. Criteria: Invitae Variant Classification Sherloc (09022015). Collection method: clinical testing. Allele origin: germline.
Comment: In summary, the available evidence is currently insufficient to determine the role of this variant in disease. Therefore, it has been classified as a Variant of Uncertain Significance. Algorithms developed to predict the effect of missense changes on protein structure and function are either unavailable or do not agree on the potential impact of this missense change (SIFT: "Deleterious"; PolyPhen-2: "Benign"; Align-GVGD: "Class C0"). This variant has not been reported in the literature in individuals affected with ALK-related conditions. This variant is not present in population databases (gnomAD no frequency). This sequence change replaces alanine, which is neutral and non-polar, with aspartic acid, which is acidic and polar, at codon 1222 of the ALK protein (p.Ala1222Asp).